The following is an entry in ClinVar:

ClinVar aggregate classification (germline): Uncertain significance (1 of 4 stars; one submission).

gnomAD v4.1: 110 of 1,552,380 alleles (0.0071%); highest among the groups gnomAD compares: African/African-American, 0.0095%; no homozygotes.

Submission:

GeneDx
Classification: Uncertain significance. Last evaluated: 2025-09-10. Review status: criteria provided, single submitter. Criteria: GeneDx Variant Classification Process June 2021. Collection method: clinical testing. Allele origin: germline. Affected: yes.
Comment: In silico analysis suggests that this missense variant does not alter protein structure/function; Has not been previously published as pathogenic or benign to our knowledge; Reported using an alternate transcript of the gene

NM_001005388.3(NFASC):c.3173A>G (p.Gln1058Arg)

Gene: NFASC (neurofascin; plus strand). Cytogenetic location: 1q32.1.
Variant type: single nucleotide variant.
Coding change: c.3173A>G on transcript NM_001005388.3 (MANE Select); coding-DNA position 3173, A replaced by G.
Protein change: p.Gln1058Arg; replaces glutamine 1058 with arginine.
Molecular consequence: missense variant. On other transcripts: intron variant (4).
Genome position (GRCh38, 1-based): chr1:205,002,632, A>G. VCF-style: chr1-205002632-A-G. GRCh37 (hg19) VCF-style: chr1-204971760-A-G.
Other names: c.3494A>G, p.Gln1165Arg (NM_001378329.1); c.3092-6925A>G (NM_001160332.2); c.3077-6925A>G (NM_015090.4); c.2756-6925A>G (NM_001365986.1); c.3137-6925A>G (NM_001160331.2); short protein forms Q1058R, Q1165R.
Identifiers: ClinVar variation 4813399 (VCV004813399.1).